The following is an entry in ClinVar:

ClinVar aggregate classification (germline): Uncertain significance (1 of 4 stars; one submission).

Conditions:
Immunodeficiency 23 (IMD23). Also called: IMMUNODEFICIENCY WITH HYPER IgE AND COGNITIVE IMPAIRMENT; IMMUNODEFICIENCY-VASCULITIS-MYOCLONUS SYNDROME. Identifiers: Orphanet 443811, MedGen C4014371, MONDO:0014353, OMIM 615816.

Submission:

Labcorp Genetics (formerly Invitae), Labcorp
Classification: Uncertain significance for Immunodeficiency 23. Last evaluated: 2024-11-19. Review status: criteria provided, single submitter. Criteria: Invitae Variant Classification Sherloc (09022015). Collection method: clinical testing. Allele origin: germline.
Comment: This sequence change replaces methionine, which is neutral and non-polar, with arginine, which is basic and polar, at codon 451 of the PGM3 protein (p.Met451Arg). This variant is not present in population databases (gnomAD no frequency). This variant has not been reported in the literature in individuals affected with PGM3-related conditions. ClinVar contains an entry for this variant (Variation ID: 578266). An algorithm developed to predict the effect of missense changes on protein structure and function (PolyPhen-2) suggests that this variant is likely to be disruptive. In summary, the available evidence is currently insufficient to determine the role of this variant in disease. Therefore, it has been classified as a Variant of Uncertain Significance.

NM_015599.3(PGM3):c.1268T>G (p.Met423Arg)

Gene: PGM3 (phosphoglucomutase 3; minus strand). Cytogenetic location: 6q14.1.
Variant type: single nucleotide variant.
Coding change: c.1268T>G on transcript NM_015599.3 (MANE Select); coding-DNA position 1268, T replaced by G.
Protein change: p.Met423Arg; replaces methionine 423 with arginine.
Molecular consequence: missense variant. On other transcripts: non-coding transcript variant (1), intron variant (1).
Genome position (GRCh38, 1-based): chr6:83,172,034, A>C on the plus strand (T>G on the coding strand, the complement: PGM3 is on the minus strand). VCF-style: chr6-83172034-A-C. GRCh37 (hg19) VCF-style: chr6-83881753-A-C.
Other names: c.1352T>G, p.Met451Arg (NM_001199917.2, NM_001367287.1); c.1025T>G, p.Met342Arg (NM_001199918.2); c.1268T>G, p.Met423Arg (NM_001199919.2); c.1243-1556T>G (NM_001367286.1); short protein forms M451R, M423R, M342R.
Identifiers: ClinVar variation 578266 (VCV000578266.10), dbSNP rs1554257039, ClinGen allele CA364879483.